The following is an entry in ClinVar:

ClinVar aggregate classification (germline): Uncertain significance (1 of 4 stars; one submission).

Submission:

GeneDx
Classification: Uncertain significance. Last evaluated: 2025-01-03. Review status: criteria provided, single submitter. Criteria: GeneDx Variant Classification Process June 2021. Collection method: clinical testing. Allele origin: germline. Affected: yes.
Comment: Not observed at significant frequency in large population cohorts (gnomAD); In silico analysis supports that this missense variant has a deleterious effect on protein structure/function; Has not been previously published as pathogenic or benign to our knowledge

NM_001114753.3(ENG):c.1546T>G (p.Cys516Gly)

Genes: ENG (endoglin; minus strand), LOC102723566 (uncharacterized LOC102723566; plus strand). Cytogenetic location: 9q34.11.
Variant type: single nucleotide variant.
Coding change: c.1546T>G on transcript NM_001114753.3 (MANE Select); coding-DNA position 1546, T replaced by G.
Protein change: p.Cys516Gly; replaces cysteine 516 with glycine.
Molecular consequence: missense variant.
Genome position (GRCh38, 1-based): chr9:127,818,260, A>C on the plus strand (T>G on the coding strand, the complement: ENG is on the minus strand). VCF-style: chr9-127818260-A-C. GRCh37 (hg19) VCF-style: chr9-130580539-A-C.
Other names: c.1546T>G, p.Cys516Gly (NM_000118.4); c.1000T>G, p.Cys334Gly (NM_001278138.2); short protein forms C516G, C334G.
Identifiers: ClinVar variation 4055974 (VCV004055974.1).
Genomic context (GRCh38, chr9:127,818,260, plus strand): 5'-AGTGGAGGAGGAAGCTGAAGCGCGGGTCACCCTCGGGGCTTGGGGACAGCAGGCTCACAC[A>C]GTTGCCCTTGGCCGCCCGGCCCTGGATGAGTTCCACGGTGCCTCCCTCAGGCCCCAAGTC-3'
Protein context (NP_001108225.1, residues 506-526): LIQGRAAKGN[Cys516Gly]VSLLSPSPEG